The following is an entry in ClinVar:

ClinVar aggregate classification (germline): Likely benign. Review status: criteria provided, multiple submitters, no conflicts (2 of 4 stars). 2 submissions from 2 submitters: Likely benign (2). Last evaluated 2025-03-03.

Conditions:
Charcot-Marie-Tooth disease dominant intermediate B (CMTDIB). Also called: CHARCOT-MARIE-TOOTH NEUROPATHY, DOMINANT INTERMEDIATE B; Charcot-Marie-Tooth disease dominant intermediate 1; CMT DI1; Charcot-Marie-Tooth disease dominant intermediate I. Identifiers: Orphanet 100044, Orphanet 228179, MedGen C1847902, MONDO:0011674, OMIM 606482.

Allele frequency attached by ClinVar (database versions not stated): gnomAD exomes below 0.00001; TOPMed below 0.00001; gnomAD 0.00001.
gnomAD v4.1: 4 of 1,614,012 alleles (0.00025%); highest among the groups gnomAD compares: Admixed American, 0.0017%; no homozygotes.

Submissions (2):

Mayo Clinic Laboratories, Mayo Clinic
Classification: Likely benign. Last evaluated: 2025-03-03. Review status: criteria provided, single submitter. Criteria: ACMG Guidelines, 2015. Collection method: clinical testing. Allele origin: germline. Observed: 1 variant allele.
Comment: BP4, BP7

Labcorp Genetics (formerly Invitae), Labcorp
Classification: Likely benign for Charcot-Marie-Tooth disease dominant intermediate B. Last evaluated: 2024-07-17. Review status: criteria provided, single submitter. Criteria: Invitae Variant Classification Sherloc (09022015). Collection method: clinical testing. Allele origin: germline.

NM_001005361.3(DNM2):c.993-5C>T

Gene: DNM2 (dynamin 2; plus strand). Cytogenetic location: 19p13.2.
Variant type: single nucleotide variant.
Coding change: c.993-5C>T on transcript NM_001005361.3 (MANE Select); 5 bases into the intron before coding-DNA position 993, C replaced by T.
Molecular consequence: intron variant.
Genome position (GRCh38, 1-based): chr19:10,793,715, C>T. VCF-style: chr19-10793715-C-T. GRCh37 (hg19) VCF-style: chr19-10904391-C-T.
Other names: p.?; c.993-5C>T (NM_001005360.3, NM_001190716.2, NM_004945.4 and 1 more transcripts).
Identifiers: ClinVar variation 705608 (VCV000705608.9), dbSNP rs1465269872, ClinGen allele CA783219254.
Genomic context (GRCh38, chr19:10,793,715, plus strand): 5'-GAACATCATTCCAGAGTAGTGTGGAAACCTCCGTTTTGATGCTTGCTTTTTCCTTTTCCT[C>T]ATAGGATGGTCCAGCAGTTTGGGGTGGATTTTGAGAAGAGGATCGAGGGCTCAGGAGATC-3'